The following is an entry in ClinVar:

NM_030632.3(ASXL3):c.2560G>C (p.Glu854Gln)

Gene: ASXL3 (ASXL transcriptional regulator 3; plus strand). Cytogenetic location: 18q12.1.
Variant type: single nucleotide variant.
Coding change: c.2560G>C on transcript NM_030632.3 (MANE Select); coding-DNA position 2560, G replaced by C.
Protein change: p.Glu854Gln; replaces glutamic acid 854 with glutamine.
Molecular consequence: missense variant.
Genome position (GRCh38, 1-based): chr18:33,739,964, G>C. VCF-style: chr18-33739964-G-C. GRCh37 (hg19) VCF-style: chr18-31319928-G-C.
Other names: c.2560G>C (NM_030632.1); short protein forms E854Q.
Identifiers: ClinVar variation 1014675 (VCV001014675.9), dbSNP rs2067628496, ClinGen allele CA402180603.

ClinVar aggregate classification (germline): Uncertain significance. Review status: criteria provided, multiple submitters, no conflicts (2 of 4 stars). 2 submissions from 2 submitters: Uncertain significance (2). Last evaluated 2024-12-09.

Conditions:
Inborn genetic diseases. Identifiers: MedGen C0950123, MeSH D030342.

Allele frequency attached by ClinVar (database versions not stated): gnomAD exomes below 0.00001.
gnomAD v4.1: 1 of 1,613,848 alleles (0.000062%); highest among the groups gnomAD compares: Admixed American, 0.0017%; no homozygotes.

Submissions (2):

Ambry Genetics
Classification: Uncertain significance for Inborn genetic diseases. Last evaluated: 2024-12-09. Review status: criteria provided, single submitter. Criteria: Ambry Variant Classification Scheme 2023. Collection method: clinical testing. Allele origin: germline.

Labcorp Genetics (formerly Invitae), Labcorp
Classification: Uncertain significance. Last evaluated: 2020-05-17. Review status: criteria provided, single submitter. Criteria: Invitae Variant Classification Sherloc (09022015). Collection method: clinical testing. Allele origin: germline.
Comment: In summary, the available evidence is currently insufficient to determine the role of this variant in disease. Therefore, it has been classified as a Variant of Uncertain Significance. Algorithms developed to predict the effect of missense changes on protein structure and function are either unavailable or do not agree on the potential impact of this missense change (SIFT: "Not Available"; PolyPhen-2: "Possibly Damaging"; Align-GVGD: "Not Available"). This variant has not been reported in the literature in individuals with ASXL3-related conditions. This variant is not present in population databases (ExAC no frequency). This sequence change replaces glutamic acid with glutamine at codon 854 of the ASXL3 protein (p.Glu854Gln). The glutamic acid residue is highly conserved and there is a small physicochemical difference between glutamic acid and glutamine.